The following is an entry in ClinVar:

NM_006904.7(PRKDC):c.6900C>G (p.Phe2300Leu)

Gene: PRKDC (protein kinase, DNA-activated, catalytic subunit; minus strand). Cytogenetic location: 8q11.21.
Variant type: single nucleotide variant.
Coding change: c.6900C>G on transcript NM_006904.7 (MANE Select); coding-DNA position 6900, C replaced by G.
Protein change: p.Phe2300Leu; replaces phenylalanine 2300 with leucine.
Molecular consequence: missense variant.
Genome position (GRCh38, 1-based): chr8:47,852,778, G>C on the plus strand (C>G on the coding strand, the complement: PRKDC is on the minus strand). VCF-style: chr8-47852778-G-C. GRCh37 (hg19) VCF-style: chr8-48765339-G-C.
Other names: c.6900C>G, p.Phe2300Leu (NM_001081640.2); short protein forms F2300L.
Identifiers: ClinVar variation 1756074 (VCV001756074.3), dbSNP rs2551869054, ClinGen allele CA371158317.

ClinVar aggregate classification (germline): Conflicting classifications of pathogenicity. Review status: criteria provided, conflicting classifications (1 of 4 stars). 2 submissions from 2 submitters: Uncertain significance (1); Likely benign (1). Last evaluated 2022-09-05.

Conditions:
PRKDC-related disorder. Also called: PRKDC-related condition.

Submissions (2):

Ambry Genetics
Classification: Uncertain significance. Last evaluated: 2022-09-05. Review status: criteria provided, single submitter. Criteria: Ambry Variant Classification Scheme 2023. Collection method: clinical testing. Allele origin: germline.
Comment: The p.F2300L variant (also known as c.6900C>G), located in coding exon 52 of the PRKDC gene, results from a C to G substitution at nucleotide position 6900. The phenylalanine at codon 2300 is replaced by leucine, an amino acid with highly similar properties. This amino acid position is conserved. In addition, this alteration is predicted to be tolerated by in silico analysis. Since supporting evidence is limited at this time, the clinical significance of this alteration remains unclear.

PreventionGenetics, part of Exact Sciences
Classification: Likely benign for PRKDC-related condition. Last evaluated: 2022-01-07. Review status: criteria provided, single submitter. Criteria: ACMG Guidelines, 2015. Collection method: clinical testing. Allele origin: germline.
Comment: This variant is classified as likely benign based on ACMG/AMP sequence variant interpretation guidelines (Richards et al. 2015 PMID: 25741868, with internal and published modifications).